The following is an entry in ClinVar:

ClinVar aggregate classification (germline): Likely benign. Review status: criteria provided, multiple submitters, no conflicts (2 of 4 stars). 3 submissions from 3 submitters: Likely benign (3). Last evaluated 2025-12-19.

Conditions:
COL9A2-related disorder. Also called: COL9A2-related condition.

Submissions (3):

Labcorp Genetics (formerly Invitae), Labcorp
Classification: Likely benign. Last evaluated: 2025-12-19. Review status: criteria provided, single submitter. Criteria: Invitae Variant Classification Sherloc (09022015). Collection method: clinical testing. Allele origin: germline.

PreventionGenetics, part of Exact Sciences
Classification: Likely benign for COL9A2-related condition. Last evaluated: 2024-12-20. Review status: criteria provided, single submitter. Criteria: ACMG Guidelines, 2015. Collection method: clinical testing. Allele origin: germline.
Comment: This variant is classified as likely benign based on ACMG/AMP sequence variant interpretation guidelines (Richards et al. 2015 PMID: 25741868, with internal and published modifications).

Blueprint Genetics
Classification: Likely benign. Last evaluated: 2022-11-14. Review status: criteria provided, single submitter. Criteria: ACMG Guidelines, 2015. Collection method: clinical testing. Allele origin: germline.

NM_001852.4(COL9A2):c.1604-26CTCC[8]

Gene: COL9A2 (collagen type IX alpha 2 chain; minus strand). Cytogenetic location: 1p34.2.
Variant type: Microsatellite.
Coding change: c.1604-26CTCC[8] on transcript NM_001852.4 (MANE Select); eight copies in a row of the 4-base unit CTCC starting at c.1604-26; the reference has six copies in a row; two copies, 8 bases duplicated.
Molecular consequence: intron variant.
Genome position (GRCh38, 1-based): chr1:40,302,812-40,302,819, GGAGGGAG duplicated on the plus strand (CTCCCTCC on the coding strand, the reverse complement: COL9A2 is on the minus strand); duplicating any 8 consecutive bases within chr1:40,302,812-40,302,835 gives the same sequence; the position shown is the placement nearest the transcript's 3' end. VCF-style (leftmost placement, unchanged base first): chr1-40302811-T-TGGAGGGAG. GRCh37 (hg19) VCF-style: chr1-40768483-T-TGGAGGGAG.
Other names: c.1604-10_1604-3dup8 (NM_001852.3).
Identifiers: ClinVar variation 1146972 (VCV001146972.11), dbSNP rs3831927, ClinGen allele CA522802810.
Genomic context (GRCh38, chr1:40,302,811, plus strand): 5'-CATGCCCACCGCACCCAGGGCTTCCCGCTTGGCACTCACGGCGACCTCTGCCAGTTGCTC[T>TGGAGGGAG]GGAGGGAGGGAGGGAGGGAGGGAGAGGGAAGTCTATGAGATGGGTGTCAGCAGTAACACT-3'